The following is an entry in ClinVar:

NM_004629.2(FANCG):c.974T>C (p.Val325Ala)

Gene: FANCG (FA complementation group G; minus strand). Cytogenetic location: 9p13.3.
Variant type: single nucleotide variant.
Coding change: c.974T>C on transcript NM_004629.2 (MANE Select); coding-DNA position 974, T replaced by C.
Protein change: p.Val325Ala; replaces valine 325 with alanine.
Molecular consequence: missense variant.
Genome position (GRCh38, 1-based): chr9:35,076,534, A>G on the plus strand (T>C on the coding strand, the complement: FANCG is on the minus strand). VCF-style: chr9-35076534-A-G. GRCh37 (hg19) VCF-style: chr9-35076531-A-G.
Other names: short protein forms V325A.
Identifiers: ClinVar variation 4870990 (VCV004870990.1).

ClinVar aggregate classification (germline): Uncertain significance (1 of 4 stars; one submission).

Conditions:
Inborn genetic diseases. Identifiers: MedGen C0950123, MeSH D030342.

Submission:

Ambry Genetics
Classification: Uncertain significance for Inborn genetic diseases. Last evaluated: 2026-04-19. Review status: criteria provided, single submitter. Criteria: Ambry Variant Classification Scheme 2023. Collection method: clinical testing. Allele origin: germline.
Comment: The p.V325A variant (also known as c.974T>C), located in coding exon 8 of the FANCG gene, results from a T to C substitution at nucleotide position 974. The valine at codon 325 is replaced by alanine, an amino acid with similar properties. This amino acid position is conserved. In addition, this alteration is predicted to be tolerated by in silico analysis. Based on the available evidence, the clinical significance of this variant remains unclear.